The following is an entry in ClinVar:

ClinVar aggregate classification (germline): Uncertain significance (1 of 4 stars; one submission).

Conditions:
Hypertrophic cardiomyopathy 7. Also called: CARDIOMYOPATHY, FAMILIAL HYPERTROPHIC, 7, MODIFIER OF; TNNI3-Related Familial Hypertrophic Cardiomyopathy; Familial hypertrophic cardiomyopathy 7. Identifiers: MedGen C1860752, MONDO:0013369, OMIM 613690.

Submission:

Agnes Ginges Centre for Molecular Cardiology, Centenary Institute
Classification: Uncertain significance for Hypertrophic cardiomyopathy 7. Last evaluated: 2018-10-15. Review status: criteria provided, single submitter. Criteria: ACMG Guidelines, 2015. Collection method: research. Allele origin: germline. Inheritance: Autosomal dominant inheritance. Affected: yes.
Comment: This TNNI3 Val147Ala variant has not previously been reported in the literature. This variant is rare and is absent from the Genome Aggregation Database. Computational tools SIFT, MutationTaster, PolyPhen-HCM and PolyPhen-2 predict this variant to have a deleterious effect. In summary, based on rarity in the general population and in silico tools in support of a deleterious role we classify TNNI3 Val147Ala as a variant of 'uncertain significance'.

NM_000363.5(TNNI3):c.440T>C (p.Val147Ala)

Gene: TNNI3 (troponin I3, cardiac type; minus strand). Cytogenetic location: 19q13.42.
Variant type: single nucleotide variant.
Coding change: c.440T>C on transcript NM_000363.5 (MANE Select); coding-DNA position 440, T replaced by C.
Protein change: p.Val147Ala; replaces valine 147 with alanine.
Molecular consequence: missense variant.
Genome position (GRCh38, 1-based): chr19:55,154,139, A>G on the plus strand (T>C on the coding strand, the complement: TNNI3 is on the minus strand). VCF-style: chr19-55154139-A-G. GRCh37 (hg19) VCF-style: chr19-55665507-A-G.
Other names: short protein forms V147A.
Identifiers: ClinVar variation 870080 (VCV000870080.1), dbSNP rs2085712229, ClinGen allele CA407440510.
Genomic context (GRCh38, chr19:55,154,139, plus strand): 5'-AGGGACTCCTTAGCCCGGGCCCCCAGCAGCGCCTGCATCATGGCATCTGCAGAGATCCTC[A>G]CTCTCCGCAGGGTGGGCCGCTTAAACTTGCCTCGAAGGTCAAAGATCTTCTGAGTCAGAT-3'
Protein context (NP_000354.4, residues 137-157): GKFKRPTLRR[Val147Ala]RISADAMMQA